The following is an entry in ClinVar:

ClinVar aggregate classification (germline): Uncertain significance. Review status: criteria provided, multiple submitters, no conflicts (2 of 4 stars). 6 submissions from 6 submitters: Uncertain significance (6). Last evaluated 2024-12-21.

Conditions:
Fanconi anemia (FA). Also called: Fanconi's anemia. Identifiers: Orphanet 84, MedGen C0015625, MeSH D005199, MONDO:0019391.
Fanconi anemia complementation group I (FANCI). Also called: FANCI-Related Fanconi Anemia. Identifiers: Orphanet 84, MedGen C1836861, MONDO:0012186, OMIM 609053.
Inborn genetic diseases. Identifiers: MedGen C0950123, MeSH D030342.

Allele frequency attached by ClinVar (database versions not stated): gnomAD exomes 0.00002 and 0.00005; ExAC 0.00007; ESP Exome Variant Server 0.00015; 1000 Genomes Project 30x 0.00016; TOPMed 0.00016; gnomAD 0.00019 and 0.00020; 1000 Genomes Project 0.00020.
gnomAD v4.1: 51 of 1,612,474 alleles (0.0032%); highest among the groups gnomAD compares: African/African-American, 0.068%; no homozygotes.

Submissions (6):

Ambry Genetics
Classification: Uncertain significance for Inborn genetic diseases. Last evaluated: 2024-12-21. Review status: criteria provided, single submitter. Criteria: Ambry Variant Classification Scheme 2023. Collection method: clinical testing. Allele origin: germline.

Labcorp Genetics (formerly Invitae), Labcorp
Classification: Uncertain significance for Fanconi anemia. Last evaluated: 2024-12-16. Review status: criteria provided, single submitter. Criteria: Invitae Variant Classification Sherloc (09022015). Collection method: clinical testing. Allele origin: germline.
Comment: This sequence change replaces glutamine, which is neutral and polar, with leucine, which is neutral and non-polar, at codon 351 of the FANCI protein (p.Gln351Leu). This variant is present in population databases (rs147873714, gnomAD 0.08%). This variant has not been reported in the literature in individuals affected with FANCI-related conditions. ClinVar contains an entry for this variant (Variation ID: 886652). Invitae Evidence Modeling of protein sequence and biophysical properties (such as structural, functional, and spatial information, amino acid conservation, physicochemical variation, residue mobility, and thermodynamic stability) indicates that this missense variant is expected to disrupt FANCI protein function with a positive predictive value of 80%. In summary, the available evidence is currently insufficient to determine the role of this variant in disease. Therefore, it has been classified as a Variant of Uncertain Significance.

Fulgent Genetics
Classification: Uncertain significance for Fanconi anemia complementation group I. Last evaluated: 2024-05-23. Review status: criteria provided, single submitter. Criteria: ACMG Guidelines, 2015. Collection method: clinical testing. Allele origin: germline.

GeneDx
Classification: Uncertain significance. Last evaluated: 2022-10-24. Review status: criteria provided, single submitter. Criteria: GeneDx Variant Classification Process June 2021. Collection method: clinical testing. Allele origin: germline. Affected: yes.
Comment: In silico analysis supports that this missense variant has a deleterious effect on protein structure/function; Has not been previously published as pathogenic or benign to our knowledge

Revvity Omics, Revvity
Classification: Uncertain significance for Fanconi anemia complementation group I. Last evaluated: 2019-09-10. Review status: criteria provided, single submitter. Criteria: ACMG Guidelines, 2015. Collection method: clinical testing. Allele origin: germline.

Illumina Laboratory Services, Illumina
Classification: Uncertain significance for Fanconi anemia complementation group I. Last evaluated: 2018-01-13. Review status: criteria provided, single submitter. Criteria: ICSL Variant Classification Criteria 13 December 2019. Collection method: clinical testing. Allele origin: germline.

NM_001113378.2(FANCI):c.1052A>T (p.Gln351Leu)

Gene: FANCI (FA complementation group I; plus strand). Cytogenetic location: 15q26.1.
Variant type: single nucleotide variant.
Coding change: c.1052A>T on transcript NM_001113378.2 (MANE Select); coding-DNA position 1052, A replaced by T.
Protein change: p.Gln351Leu; replaces glutamine 351 with leucine.
Molecular consequence: missense variant.
Genome position (GRCh38, 1-based): chr15:89,274,244, A>T. VCF-style: chr15-89274244-A-T. GRCh37 (hg19) VCF-style: chr15-89817475-A-T.
Other names: c.773A>T, p.Gln258Leu (NM_001376910.1); c.1052A>T, p.Gln351Leu (NM_001376911.1, NM_018193.3); short protein forms Q351L, Q258L.
Identifiers: ClinVar variation 886652 (VCV000886652.14), dbSNP rs147873714, ClinGen allele CA7722907.